The following is an entry in ClinVar:

ClinVar aggregate classification (germline): Uncertain significance. Review status: criteria provided, multiple submitters, no conflicts (2 of 4 stars). 2 submissions from 2 submitters: Uncertain significance (2). Last evaluated 2025-09-04.

Conditions:
Inborn genetic diseases. Identifiers: MedGen C0950123, MeSH D030342.

Submissions (2):

Ambry Genetics
Classification: Uncertain significance for Inborn genetic diseases. Last evaluated: 2025-09-04. Review status: criteria provided, single submitter. Criteria: Ambry Variant Classification Scheme 2023. Collection method: clinical testing. Allele origin: germline.

Labcorp Genetics (formerly Invitae), Labcorp
Classification: Uncertain significance. Last evaluated: 2022-12-03. Review status: criteria provided, single submitter. Criteria: Invitae Variant Classification Sherloc (09022015). Collection method: clinical testing. Allele origin: germline.
Comment: This variant has not been reported in the literature in individuals affected with HES7-related conditions. This variant is not present in population databases (gnomAD no frequency). This sequence change replaces arginine, which is basic and polar, with serine, which is neutral and polar, at codon 222 of the HES7 protein (p.Arg222Ser). Algorithms developed to predict the effect of missense changes on protein structure and function are either unavailable or do not agree on the potential impact of this missense change (SIFT: "Deleterious"; PolyPhen-2: "Not Available"; Align-GVGD: "Class C0"). In summary, the available evidence is currently insufficient to determine the role of this variant in disease. Therefore, it has been classified as a Variant of Uncertain Significance.

NM_001165967.2(HES7):c.681A>T (p.Arg227Ser)

Genes: HES7 (hes family bHLH transcription factor 7; minus strand), LOC130060203 (ATAC-STARR-seq lymphoblastoid silent region 8155; plus strand). Cytogenetic location: 17p13.1.
Variant type: single nucleotide variant.
Coding change: c.681A>T on transcript NM_001165967.2 (MANE Select); coding-DNA position 681, A replaced by T.
Protein change: p.Arg227Ser; replaces arginine 227 with serine.
Molecular consequence: missense variant.
Genome position (GRCh38, 1-based): chr17:8,121,583, T>A on the plus strand (A>T on the coding strand, the complement: HES7 is on the minus strand). VCF-style: chr17-8121583-T-A. GRCh37 (hg19) VCF-style: chr17-8024901-T-A.
Other names: c.666A>T, p.Arg222Ser (NM_032580.4); c.666A>T (NM_032580.3); short protein forms R222S, R227S.
Identifiers: ClinVar variation 2963392 (VCV002963392.4), dbSNP rs575817248, ClinGen allele CA397986872.
Genomic context (GRCh38, chr17:8,121,583, plus strand): 5'-GGAGTCTCTACCCCACCCCTAGACCCCGCCCCCACCACCCCCCAAGGCTCAGGGCCAAGG[T>A]CTCCAGAAAGCGGGCGGCGGGGGCAGCGGGGCCTTGGGCGCCCCGTCTTGTCTGTGAGGC-3'
Protein context (NP_001159439.1, residues 217-230): APLPPPPAFW[Arg227Ser]PWP